The following is an entry in ClinVar:

NM_030665.4(RAI1):c.1804C>G (p.Leu602Val)

Gene: RAI1 (retinoic acid induced 1; plus strand). Cytogenetic location: 17p11.2.
Variant type: single nucleotide variant.
Coding change: c.1804C>G on transcript NM_030665.4 (MANE Select); coding-DNA position 1804, C replaced by G.
Protein change: p.Leu602Val; replaces leucine 602 with valine.
Molecular consequence: missense variant.
Genome position (GRCh38, 1-based): chr17:17,794,752, C>G. VCF-style: chr17-17794752-C-G. GRCh37 (hg19) VCF-style: chr17-17698066-C-G.
Other names: c.1804C>G (NM_030665.3); short protein forms L602V.
Identifiers: ClinVar variation 2956962 (VCV002956962.4), dbSNP rs1424603863, ClinGen allele CA398549227.

ClinVar aggregate classification (germline): Uncertain significance. Review status: criteria provided, single submitter (1 of 4 stars). 2 submissions from 2 submitters: Uncertain significance (1). 1 of the submissions does not count toward it. Last evaluated 2023-08-05.

Conditions:
RAI1-related disorder. Also called: RAI1-related condition.

Allele frequency attached by ClinVar (database versions not stated): gnomAD exomes below 0.00001; gnomAD 0.00001.
gnomAD v4.1: 5 of 1,612,686 alleles (0.00031%); highest among the groups gnomAD compares: African/African-American, 0.0013%; no homozygotes.

Submissions (2):

Labcorp Genetics (formerly Invitae), Labcorp
Classification: Uncertain significance. Last evaluated: 2023-08-05. Review status: criteria provided, single submitter. Criteria: Invitae Variant Classification Sherloc (09022015). Collection method: clinical testing. Allele origin: germline.
Comment: This sequence change replaces leucine, which is neutral and non-polar, with valine, which is neutral and non-polar, at codon 602 of the RAI1 protein (p.Leu602Val). This variant is present in population databases (no rsID available, gnomAD 0.004%). This variant has not been reported in the literature in individuals affected with RAI1-related conditions. Advanced modeling of protein sequence and biophysical properties (such as structural, functional, and spatial information, amino acid conservation, physicochemical variation, residue mobility, and thermodynamic stability) has been performed at Invitae for this missense variant, however the output from this modeling did not meet the statistical confidence thresholds required to predict the impact of this variant on RAI1 protein function. In summary, the available evidence is currently insufficient to determine the role of this variant in disease. Therefore, it has been classified as a Variant of Uncertain Significance.

PreventionGenetics, part of Exact Sciences
Classification: Uncertain significance for RAI1-related condition. Last evaluated: 2024-05-10. Review status: no assertion criteria provided. Collection method: clinical testing. Allele origin: germline. Not counted in ClinVar's aggregate classification.
Comment: The RAI1 c.1804C>G variant is predicted to result in the amino acid substitution p.Leu602Val. To our knowledge, this variant has not been reported in the literature. This variant is reported in 0.0041% of alleles in individuals of African descent in gnomAD. At this time, the clinical significance of this variant is uncertain due to the absence of conclusive functional and genetic evidence.